The following is an entry in ClinVar:

ClinVar aggregate classification (germline): Likely benign (1 of 4 stars; one submission).

Submission:

GeneDx
Classification: Likely benign. Last evaluated: 2014-05-23. Review status: criteria provided, single submitter. Criteria: GeneDx Variant Classification (06012015). Collection method: clinical testing. Allele origin: germline. Affected: yes.
Comment: This variant is considered likely benign or benign based on one or more of the following criteria: it is a conservative change, it occurs at a poorly conserved position in the protein, it is predicted to be benign by multiple in silico algorithms, and/or has population frequency not consistent with disease.

NM_000393.5(COL5A2):c.1977+6T>A

Gene: COL5A2 (collagen type V alpha 2 chain; minus strand). Cytogenetic location: 2q32.2.
Variant type: single nucleotide variant.
Coding change: c.1977+6T>A on transcript NM_000393.5 (MANE Select); 6 bases into the intron after coding-DNA position 1977, T replaced by A.
Molecular consequence: intron variant.
Genome position (GRCh38, 1-based): chr2:189,062,859, A>T on the plus strand (T>A on the coding strand, the complement: COL5A2 is on the minus strand). VCF-style: chr2-189062859-A-T. GRCh37 (hg19) VCF-style: chr2-189927585-A-T.
Identifiers: ClinVar variation 213076 (VCV000213076.1), dbSNP rs863223486, ClinGen allele CA320793.